The following is an entry in ClinVar:

ClinVar aggregate classification (germline): Likely benign. Review status: criteria provided, multiple submitters, no conflicts (2 of 4 stars). 2 submissions from 2 submitters: Likely benign (2). Last evaluated 2026-03-01.

Conditions:
Conotruncal heart malformations (CTHM). Also called: Conotruncal heart malformations, variable. Identifiers: Orphanet 2445, Orphanet 3384, Orphanet 3426, MedGen C1857586, MONDO:0016581, OMIM 217095.

Allele frequency attached by ClinVar (database versions not stated): ExAC 0.00009; gnomAD 0.00009; TOPMed 0.00009; gnomAD exomes 0.00010; 1000 Genomes Project 30x 0.00016.
gnomAD v4.1: 149 of 1,540,126 alleles (0.0097%); highest among the groups gnomAD compares: Admixed American, 0.067%; no homozygotes.

Submissions (2):

CeGaT Center for Human Genetics Tuebingen
Classification: Likely benign. Last evaluated: 2026-03-01. Review status: criteria provided, single submitter. Criteria: CeGaT Center For Human Genetics Tuebingen Variant Classification Criteria Version 2. Collection method: clinical testing. Allele origin: germline. Affected: yes. Observed: 1 variant allele.
Comment: NKX2-6: BP4, BP7

Labcorp Genetics (formerly Invitae), Labcorp
Classification: Likely benign for Conotruncal heart malformations. Last evaluated: 2025-11-27. Review status: criteria provided, single submitter. Criteria: Invitae Variant Classification Sherloc (09022015). Collection method: clinical testing. Allele origin: germline.

NM_001136271.3(NKX2-6):c.291G>A (p.Ala97=)

Gene: NKX2-6 (NK2 homeobox 6; minus strand). Cytogenetic location: 8p21.2.
Variant type: single nucleotide variant.
Coding change: c.291G>A on transcript NM_001136271.3 (MANE Select); coding-DNA position 291, G replaced by A.
Protein change: p.Ala97=; no amino-acid change (alanine 97 retained).
Molecular consequence: synonymous variant.
Genome position (GRCh38, 1-based): chr8:23,703,066, C>T on the plus strand (G>A on the coding strand, the complement: NKX2-6 is on the minus strand). VCF-style: chr8-23703066-C-T. GRCh37 (hg19) VCF-style: chr8-23560579-C-T.
Identifiers: ClinVar variation 2047096 (VCV002047096.8), dbSNP rs759341554, ClinGen allele CA4677995.
Genomic context (GRCh38, chr8:23,703,066, plus strand): 5'-GTCGCCGCTGTTGCCAACGCCGCGCTCTGGCACCCTGGTCCCGCCGCCGAGGGGCGAGGC[C>T]GCGTTCAGGCCGGGCTCTAAAAGCACAGGAAGGGACACATCAGCGCCCAGCCTAAGGCTC-3'
Protein context (NP_001129743.2, residues 87-107): RMGEPQPGLN[Ala97=]ASPLGGGTRV